The following is an entry in ClinVar:

NM_144670.6(A2ML1):c.2018G>A (p.Ser673Asn)

Gene: A2ML1 (alpha-2-macroglobulin like 1; plus strand). Cytogenetic location: 12p13.31.
Variant type: single nucleotide variant.
Coding change: c.2018G>A on transcript NM_144670.6 (MANE Select); coding-DNA position 2018, G replaced by A.
Protein change: p.Ser673Asn; replaces serine 673 with asparagine.
Molecular consequence: missense variant.
Genome position (GRCh38, 1-based): chr12:8,848,904, G>A. VCF-style: chr12-8848904-G-A. GRCh37 (hg19) VCF-style: chr12-9001500-G-A.
Other names: c.545G>A, p.Ser182Asn (NM_001282424.3); short protein forms S673N, S182N.
Identifiers: ClinVar variation 2741259 (VCV002741259.3), dbSNP rs2539246847, ClinGen allele CA383831196.

ClinVar aggregate classification (germline): Uncertain significance (1 of 4 stars; one submission).

Submission:

Labcorp Genetics (formerly Invitae), Labcorp
Classification: Uncertain significance. Last evaluated: 2023-02-14. Review status: criteria provided, single submitter. Criteria: Invitae Variant Classification Sherloc (09022015). Collection method: clinical testing. Allele origin: germline.
Comment: This sequence change replaces serine, which is neutral and polar, with asparagine, which is neutral and polar, at codon 673 of the A2ML1 protein (p.Ser673Asn). This variant is not present in population databases (gnomAD no frequency). In summary, the available evidence is currently insufficient to determine the role of this variant in disease. Therefore, it has been classified as a Variant of Uncertain Significance. Algorithms developed to predict the effect of missense changes on protein structure and function (SIFT, PolyPhen-2, Align-GVGD) all suggest that this variant is likely to be tolerated. This variant has not been reported in the literature in individuals affected with A2ML1-related conditions.